The following is an entry in ClinVar:

NM_006005.3(WFS1):c.599del (p.Leu200fs)

Gene: WFS1 (wolframin ER transmembrane glycoprotein; plus strand). Cytogenetic location: 4p16.1.
Variant type: Deletion.
Coding change: c.599del on transcript NM_006005.3 (MANE Select); coding-DNA position 599, one base deleted (T; older notation c.599delT).
Protein change: p.Leu200fs; shifts the reading frame from leucine 200.
Molecular consequence: frameshift variant.
Genome position (GRCh38, 1-based): chr4:6,291,335, T deleted. VCF-style (leftmost placement, unchanged base first): chr4-6291334-CT-C. GRCh37 (hg19) VCF-style: chr4-6293061-CT-C.
Other names: c.599del, p.Leu200fs (NM_001145853.1); short protein forms L200fs.
Identifiers: ClinVar variation 2203514 (VCV002203514.4), dbSNP rs2474174484, ClinGen allele CA2578035748.

ClinVar aggregate classification (germline): Pathogenic (1 of 4 stars; one submission).

Allele frequency attached by ClinVar (database versions not stated): gnomAD exomes below 0.00001.

Submission:

Labcorp Genetics (formerly Invitae), Labcorp
Classification: Pathogenic. Last evaluated: 2024-04-25. Review status: criteria provided, single submitter. Criteria: Invitae Variant Classification Sherloc (09022015). Collection method: clinical testing. Allele origin: germline.
Comment: This sequence change creates a premature translational stop signal (p.Leu200Argfs*87) in the WFS1 gene. While this is not anticipated to result in nonsense mediated decay, it is expected to disrupt the last 691 amino acid(s) of the WFS1 protein. This variant is not present in population databases (gnomAD no frequency). This premature translational stop signal has been observed in individual(s) with Wolfram syndrome (PMID: 9817917, 23981289). ClinVar contains an entry for this variant (Variation ID: 2203514). For these reasons, this variant has been classified as Pathogenic.

Literature cited by the submitters: PubMed 9817917; PubMed 23981289.